The following is an entry in ClinVar:

ClinVar aggregate classification (germline): Uncertain significance (1 of 4 stars; one submission).

Conditions:
Congenital heart defects, multiple types, 6 (CHTD6). Identifiers: Orphanet 860, MedGen C3151221, MONDO:0013463, OMIM 613854.
Right atrial isomerism (RAI). Also called: IVEMARK SYNDROME. Identifiers: Orphanet 97548, MedGen C3178806, MONDO:0008832, OMIM 208530, HP:0011536.

Submission:

Juno Genomics, Hangzhou Juno Genomics, Inc
Classification: Uncertain significance for Congenital heart defects, multiple types, 6; Right atrial isomerism. Review status: criteria provided, single submitter. Criteria: ACMG Guidelines, 2015. Collection method: clinical testing. Allele origin: germline.
Comment: Absent from controls (or at extremely low frequency if recessive) in Genome Aggregation Database.

NM_001492.6(GDF1):c.-570-11_-570-5dup

Genes: CERS1 (ceramide synthase 1; minus strand), GDF1 (growth differentiation factor 1; minus strand). Cytogenetic location: 19p13.11.
Variant type: Duplication.
Coding change: c.-570-11_-570-5dup on transcript NM_001492.6 (MANE Select); 11 bases into the intron before 570 bases upstream of the start codon through 5 bases into the intron before 570 bases upstream of the start codon, 7 bases duplicated (TCCCACC; older notation c.-570-11_-570-5dupTCCCACC).
Molecular consequence: intron variant.
Genome position (GRCh38, 1-based): chr19:18,879,393-18,879,399, GGTGGGA duplicated on the plus strand (TCCCACC on the coding strand, the reverse complement: GDF1 is on the minus strand); duplicating any 7 consecutive bases within chr19:18,879,393-18,879,401 gives the same sequence; the c. name uses the placement nearest the transcript's 3' end. VCF-style (leftmost placement, unchanged base first): chr19-18879392-C-CGGTGGGA. GRCh37 (hg19) VCF-style: chr19-18990201-C-CGGTGGGA.
Other names: c.753-11_753-5dup (NM_021267.5, NM_001387440.1, NM_001387439.1 and 1 more transcripts); c.459-11_459-5dup (NM_001387443.1, NM_001387442.1, NM_001290265.2 and 2 more transcripts); c.708-11_708-5dup (NM_001387441.1); c.-313+4688_-313+4694dup (NM_001387438.1).
Identifiers: ClinVar variation 5005957 (VCV005005957.2).